The following is an entry in ClinVar:

ClinVar aggregate classification (germline): Benign/Likely benign. Review status: criteria provided, multiple submitters, no conflicts (2 of 4 stars). 2 submissions from 2 submitters: Benign (1); Likely benign (1). Last evaluated 2026-02-02.

Conditions:
Severe X-linked myotubular myopathy (CNMX). Also called: MYOTUBULAR MYOPATHY 1; X-linked centronuclear myopathy; Myotubular myopathy, X-linked. Identifiers: Orphanet 596, MedGen C0410203, MONDO:0010683, OMIM 310400.

Allele frequency attached by ClinVar (database versions not stated): gnomAD exomes 0.00001 and 0.00002; gnomAD 0.00016 and 0.00017; TOPMed 0.00027; ESP Exome Variant Server 0.00028.
gnomAD v4.1: 33 of 1,192,866 alleles (0.0028%); highest among the groups gnomAD compares: African/African-American, 0.046%; no homozygotes.

Submissions (2):

Labcorp Genetics (formerly Invitae), Labcorp
Classification: Benign for Severe X-linked myotubular myopathy. Last evaluated: 2026-02-02. Review status: criteria provided, single submitter. Criteria: Invitae Variant Classification Sherloc (09022015). Collection method: clinical testing. Allele origin: germline.

GeneDx
Classification: Likely benign. Last evaluated: 2018-02-23. Review status: criteria provided, single submitter. Criteria: GeneDx Variant Classification (06012015). Collection method: clinical testing. Allele origin: germline. Affected: yes.
Comment: This variant is considered likely benign or benign based on one or more of the following criteria: it is a conservative change, it occurs at a poorly conserved position in the protein, it is predicted to be benign by multiple in silico algorithms, and/or has population frequency not consistent with disease.

NM_000252.3(MTM1):c.867+17A>G

Gene: MTM1 (myotubularin 1; plus strand). Cytogenetic location: Xq28.
Variant type: single nucleotide variant.
Coding change: c.867+17A>G on transcript NM_000252.3 (MANE Select); 17 bases into the intron after coding-DNA position 867, A replaced by G.
Molecular consequence: intron variant.
Genome position (GRCh38, 1-based): chrX:150,645,888, A>G. VCF-style: chrX-150645888-A-G. GRCh37 (hg19) VCF-style: chrX-149814361-A-G.
Other names: c.867+17A>G (NM_001376908.1, NM_001376906.1); c.756+17A>G (NM_001376907.1).
Identifiers: ClinVar variation 515666 (VCV000515666.9), dbSNP rs371239013, ClinGen allele CA337092439.